The following is an entry in ClinVar:

ClinVar aggregate classification (germline): Uncertain significance (1 of 4 stars; one submission).

Conditions:
Autosomal recessive limb-girdle muscular dystrophy type 2J (LGMDR10). Also called: Limb-girdle muscular dystrophy, type 2J; MUSCULAR DYSTROPHY, LIMB-GIRDLE, AUTOSOMAL RECESSIVE 10. Identifiers: Orphanet 140922, MedGen C1837342, MONDO:0012127, OMIM 608807.

Allele frequency attached by ClinVar (database versions not stated): gnomAD exomes below 0.00001; gnomAD 0.00001; TOPMed 0.00001.
gnomAD v4.1: 5 of 1,611,480 alleles (0.00031%); highest among the groups gnomAD compares: Admixed American, 0.0017%; no homozygotes.

Submission:

Laboratorio de Genetica e Diagnostico Molecular, Hospital Israelita Albert Einstein
Classification: Uncertain significance for Autosomal recessive limb-girdle muscular dystrophy type 2J. Last evaluated: 2022-10-06. Review status: criteria provided, single submitter. Criteria: ACMG Guidelines, 2015. Collection method: clinical testing. Allele origin: germline. Affected: yes. Observed: 1 variant allele.
Comment: ACMG classification criteria: PM2 moderated, PP3 supporting

NM_001267550.2(TTN):c.52619A>G (p.Tyr17540Cys)

Genes: TTN-AS1 (TTN antisense RNA 1; plus strand), TTN (titin; minus strand), LOC126806425 (BRD4-independent group 4 enhancer GRCh37_chr2:179471933-179473132; plus strand). Cytogenetic location: 2q31.2.
Variant type: single nucleotide variant.
Coding change: c.52619A>G on transcript NM_001267550.2 (MANE Select); coding-DNA position 52619, A replaced by G.
Protein change: p.Tyr17540Cys; replaces tyrosine 17540 with cysteine.
Molecular consequence: missense variant. On other transcripts: non-coding transcript variant (1).
Genome position (GRCh38, 1-based): chr2:178,608,264, T>C on the plus strand (A>G on the coding strand, the complement: TTN is on the minus strand). VCF-style: chr2-178608264-T-C. GRCh37 (hg19) VCF-style: chr2-179472991-T-C.
Other names: c.47696A>G, p.Tyr15899Cys (NM_001256850.1); c.25424A>G, p.Tyr8475Cys (NM_003319.4); c.44915A>G, p.Tyr14972Cys (NM_133378.4); c.25799A>G, p.Tyr8600Cys (NM_133432.3); c.26000A>G, p.Tyr8667Cys (NM_133437.4); short protein forms Y14972C, Y15899C, Y17540C, Y8475C, Y8600C, Y8667C.
Identifiers: ClinVar variation 2431556 (VCV002431556.1), dbSNP rs1013723159, ClinGen allele CA60982788.